The following is an entry in ClinVar:

ClinVar aggregate classification (germline): Conflicting classifications of pathogenicity. Review status: criteria provided, conflicting classifications (1 of 4 stars). 4 submissions from 4 submitters: Uncertain significance (3); Benign (1). Last evaluated 2024-10-16.

Conditions:
Inborn genetic diseases. Identifiers: MedGen C0950123, MeSH D030342.
Neuropathy, hereditary sensory and autonomic, type 2A (HSAN2A). Also called: ACROOSTEOLYSIS, GIACCAI TYPE; ACROOSTEOLYSIS, NEUROGENIC; MORVAN DISEASE; NEUROPATHY, CONGENITAL SENSORY; NEUROPATHY, HEREDITARY SENSORY RADICULAR, AUTOSOMAL RECESSIVE; NEUROPATHY, HEREDITARY SENSORY, TYPE IIA. Identifiers: Orphanet 970, MedGen C2752089, MONDO:0024309, OMIM 201300.
Pseudohypoaldosteronism type 2C (PHA2C). Also called: Pseudohypoaldosteronism Type IIC. Identifiers: Orphanet 757, Orphanet 88940, MedGen C1840391, MONDO:0013778, OMIM 614492.

Allele frequency attached by ClinVar (database versions not stated): TOPMed 0.00002; gnomAD exomes 0.00003; ExAC 0.00005; ESP Exome Variant Server 0.00008.
gnomAD v4.1: 48 of 1,614,204 alleles (0.003%); highest among the groups gnomAD compares: Admixed American, 0.005%; no homozygotes.

Submissions (4):

Labcorp Genetics (formerly Invitae), Labcorp
Classification: Uncertain significance for Neuropathy, hereditary sensory and autonomic, type 2A; Pseudohypoaldosteronism type 2C. Last evaluated: 2024-10-16. Review status: criteria provided, single submitter. Criteria: Invitae Variant Classification Sherloc (09022015). Collection method: clinical testing. Allele origin: germline.
Comment: This sequence change replaces serine, which is neutral and polar, with phenylalanine, which is neutral and non-polar, at codon 1552 of the WNK1 protein (p.Ser1552Phe). This variant is present in population databases (rs143361850, gnomAD 0.009%). This variant has not been reported in the literature in individuals affected with WNK1-related conditions. ClinVar contains an entry for this variant (Variation ID: 310825). Invitae Evidence Modeling of protein sequence and biophysical properties (such as structural, functional, and spatial information, amino acid conservation, physicochemical variation, residue mobility, and thermodynamic stability) indicates that this missense variant is not expected to disrupt WNK1 protein function with a negative predictive value of 95%. In summary, the available evidence is currently insufficient to determine the role of this variant in disease. Therefore, it has been classified as a Variant of Uncertain Significance.

Fulgent Genetics
Classification: Uncertain significance for Neuropathy, hereditary sensory and autonomic, type 2A; Pseudohypoaldosteronism type 2C. Last evaluated: 2024-04-10. Review status: criteria provided, single submitter. Criteria: ACMG Guidelines, 2015. Collection method: clinical testing. Allele origin: germline.

Ambry Genetics
Classification: Uncertain significance for Inborn genetic diseases. Last evaluated: 2022-01-31. Review status: criteria provided, single submitter. Criteria: Ambry Variant Classification Scheme 2023. Collection method: clinical testing. Allele origin: germline.
Comment: The p.S1552F variant (also known as c.4655C>T), located in coding exon 19 of the WNK1 gene, results from a C to T substitution at nucleotide position 4655. The serine at codon 1552 is replaced by phenylalanine, an amino acid with highly dissimilar properties. This amino acid position is highly conserved in available vertebrate species. In addition, the in silico prediction for this alteration is inconclusive. Since supporting evidence is limited at this time, the clinical significance of this alteration remains unclear.

Illumina Laboratory Services, Illumina
Classification: Benign for Pseudohypoaldosteronism type 2C. Last evaluated: 2018-01-13. Review status: criteria provided, single submitter. Criteria: ICSL Variant Classification Criteria 13 December 2019. Collection method: clinical testing. Allele origin: germline.
Comment: This variant was observed in the ICSL laboratory as part of a predisposition screen in an ostensibly healthy population. It had not been previously curated by ICSL or reported in the Human Gene Mutation Database (HGMD: prior to June 1st, 2018), and was therefore a candidate for classification through an automated scoring system. Utilizing variant allele frequency, disease prevalence and penetrance estimates, and inheritance mode, an automated score was calculated to assess if this variant is too frequent to cause the disease. Based on the score and internal cut-off values, a variant classified as benign is not then subjected to further curation. The score for this variant resulted in a classification of benign for this disease.

NM_018979.4(WNK1):c.3899C>T (p.Ser1300Phe)

Gene: WNK1 (WNK lysine deficient protein kinase 1; plus strand). Cytogenetic location: 12p13.33.
Variant type: single nucleotide variant.
Coding change: c.3899C>T on transcript NM_018979.4 (MANE Select); coding-DNA position 3899, C replaced by T.
Protein change: p.Ser1300Phe; replaces serine 1300 with phenylalanine.
Molecular consequence: missense variant.
Genome position (GRCh38, 1-based): chr12:884,703, C>T. VCF-style: chr12-884703-C-T. GRCh37 (hg19) VCF-style: chr12-993869-C-T.
Other names: c.4679C>T, p.Ser1560Phe (NM_001184985.2); c.3158C>T, p.Ser1053Phe (NM_014823.3); c.4655C>T, p.Ser1552Phe (NM_213655.5); short protein forms S1552F, S1300F, S1560F, S1053F.
Identifiers: ClinVar variation 310825 (VCV000310825.16), dbSNP rs143361850, ClinGen allele CA6382893.